The following is an entry in ClinVar:

ClinVar aggregate classification (germline): Uncertain significance (1 of 4 stars; one submission).

Submission:

Labcorp Genetics (formerly Invitae), Labcorp
Classification: Uncertain significance. Last evaluated: 2021-08-26. Review status: criteria provided, single submitter. Criteria: Invitae Variant Classification Sherloc (09022015). Collection method: clinical testing. Allele origin: germline.
Comment: This sequence change replaces arginine with lysine at codon 644 of the MTTP protein (p.Arg644Lys). The arginine residue is highly conserved and there is a small physicochemical difference between arginine and lysine. This variant is not present in population databases (ExAC no frequency). This variant has not been reported in the literature in individuals affected with MTTP-related conditions. Algorithms developed to predict the effect of missense changes on protein structure and function (SIFT, PolyPhen-2, Align-GVGD) all suggest that this variant is likely to be tolerated. Algorithms developed to predict the effect of sequence changes on RNA splicing suggest that this variant may create or strengthen a splice site. In summary, the available evidence is currently insufficient to determine the role of this variant in disease. Therefore, it has been classified as a Variant of Uncertain Significance.

NM_001386140.1(MTTP):c.1931G>A (p.Arg644Lys)

Gene: MTTP (microsomal triglyceride transfer protein; plus strand). Cytogenetic location: 4q23.
Variant type: single nucleotide variant.
Coding change: c.1931G>A on transcript NM_001386140.1 (MANE Select); coding-DNA position 1931, G replaced by A.
Protein change: p.Arg644Lys; replaces arginine 644 with lysine.
Molecular consequence: missense variant.
Genome position (GRCh38, 1-based): chr4:99,611,395, G>A. VCF-style: chr4-99611395-G-A. GRCh37 (hg19) VCF-style: chr4-100532552-G-A.
Other names: c.1931G>A, p.Arg644Lys (NM_000253.4); c.1682G>A, p.Arg561Lys (NM_001300785.2); short protein forms R644K, R561K.
Identifiers: ClinVar variation 964452 (VCV000964452.4), dbSNP rs1725951559, ClinGen allele CA357515971.